The following is an entry in ClinVar:

ClinVar aggregate classification (germline): Uncertain significance. Review status: criteria provided, multiple submitters, no conflicts (2 of 4 stars). 4 submissions from 4 submitters: Uncertain significance (4). Last evaluated 2024-04-03.

Conditions:
Retinal dystrophy. Also called: Inherited retinal dystrophy. Identifiers: Orphanet 71862, MedGen C0854723, MeSH D058499, MONDO:0019118, HP:0000556.
Retinitis pigmentosa 80 (RP80). Identifiers: MedGen C4540439, MONDO:0054708, OMIM 617781.
Saldino-Mainzer syndrome (SRTD9). Also called: Renal dysplasia, retinal pigmentary dystrophy, cerebellar ataxia and skeletal dysplasia; CONORENAL SYNDROME; short-rib thoracic dysplasia 9 with or without polydactyly; SHORT-RIB THORACIC DYSPLASIA 9 WITHOUT POLYDACTYLY. Identifiers: Orphanet 140969, MedGen C1849437, MONDO:0009964, OMIM 266920.

Allele frequency attached by ClinVar (database versions not stated): ExAC 0.00004; gnomAD exomes 0.00004 and 0.00006; gnomAD 0.00007 and 0.00009; TOPMed 0.00007.
gnomAD v4.1: 98 of 1,611,648 alleles (0.0061%); highest among the groups gnomAD compares: East Asian, 0.049%; 1 homozygote.

Submissions (4):

Fulgent Genetics
Classification: Uncertain significance for Saldino-Mainzer syndrome; Retinitis pigmentosa 80. Last evaluated: 2024-04-03. Review status: criteria provided, single submitter. Criteria: ACMG Guidelines, 2015. Collection method: clinical testing. Allele origin: germline.

Dept Of Ophthalmology, Nagoya University
Classification: Uncertain significance for Retinal dystrophy. Last evaluated: 2023-10-01. Review status: criteria provided, single submitter. Criteria: Submitter's publication. Collection method: research. Allele origin: germline. Affected: yes.

Labcorp Genetics (formerly Invitae), Labcorp
Classification: Uncertain significance for Saldino-Mainzer syndrome. Last evaluated: 2023-07-07. Review status: criteria provided, single submitter. Criteria: Invitae Variant Classification Sherloc (09022015). Collection method: clinical testing. Allele origin: germline.
Comment: In summary, the available evidence is currently insufficient to determine the role of this variant in disease. Therefore, it has been classified as a Variant of Uncertain Significance. Advanced modeling of protein sequence and biophysical properties (such as structural, functional, and spatial information, amino acid conservation, physicochemical variation, residue mobility, and thermodynamic stability) has been performed at Invitae for this missense variant, however the output from this modeling did not meet the statistical confidence thresholds required to predict the impact of this variant on IFT140 protein function. ClinVar contains an entry for this variant (Variation ID: 933370). This variant has not been reported in the literature in individuals affected with IFT140-related conditions. This sequence change replaces threonine, which is neutral and polar, with methionine, which is neutral and non-polar, at codon 929 of the IFT140 protein (p.Thr929Met). This variant is present in population databases (rs757585192, gnomAD 0.01%).

Blueprint Genetics
Classification: Uncertain significance. Last evaluated: 2021-09-21. Review status: criteria provided, single submitter. Criteria: ACMG Guidelines, 2015. Collection method: clinical testing. Allele origin: germline.

NM_014714.4(IFT140):c.2786C>T (p.Thr929Met)

Genes: IFT140 (intraflagellar transport 140; minus strand), LOC126862260 (CDK7 strongly-dependent group 2 enhancer GRCh37_chr16:1574508-1575707; plus strand). Cytogenetic location: 16p13.3.
Variant type: single nucleotide variant.
Coding change: c.2786C>T on transcript NM_014714.4 (MANE Select); coding-DNA position 2786, C replaced by T.
Protein change: p.Thr929Met; replaces threonine 929 with methionine.
Molecular consequence: missense variant.
Genome position (GRCh38, 1-based): chr16:1,525,309, G>A on the plus strand (C>T on the coding strand, the complement: IFT140 is on the minus strand). VCF-style: chr16-1525309-G-A. GRCh37 (hg19) VCF-style: chr16-1575310-G-A.
Other names: short protein forms T929M.
Identifiers: ClinVar variation 933370 (VCV000933370.10), dbSNP rs757585192, ClinGen allele CA7813479.